The following is an entry in ClinVar:

ClinVar aggregate classification (germline): Uncertain significance (1 of 4 stars; one submission).

Conditions:
Microcephaly 21, primary, autosomal recessive. Identifiers: MedGen C4693831, MONDO:0054804, OMIM 617983.

gnomAD v4.1: 16 of 1,614,198 alleles (0.00099%); highest among the groups gnomAD compares: Admixed American, 0.0017%; no homozygotes.

Submission:

Dasa
Classification: Uncertain significance for Microcephaly 21, primary, autosomal recessive. Last evaluated: 2026-01-28. Review status: criteria provided, single submitter. Criteria: DASA Assertion Criteria. Collection method: clinical testing. Allele origin: germline.
Comment: NM_014865.4(NCAPD2):c.3152T>A (p.Phe1051Tyr) is a missense variant that results in the substitution of phenylalanine with tyrosine. This variant is rare in population databases. The currently available literature and clinical evidence are not sufficient to establish a definitive association between this variant and the reported condition. Therefore, this variant is classified as a variant of uncertain significance.

NM_014865.4(NCAPD2):c.3152T>A (p.Phe1051Tyr)

Gene: NCAPD2 (non-SMC condensin I complex subunit D2; plus strand). Cytogenetic location: 12p13.31.
Variant type: single nucleotide variant.
Coding change: c.3152T>A on transcript NM_014865.4 (MANE Select); coding-DNA position 3152, T replaced by A.
Protein change: p.Phe1051Tyr; replaces phenylalanine 1051 with tyrosine.
Molecular consequence: missense variant.
Genome position (GRCh38, 1-based): chr12:6,528,181, T>A. VCF-style: chr12-6528181-T-A. GRCh37 (hg19) VCF-style: chr12-6637347-T-A.
Other names: short protein forms F1051Y.
Identifiers: ClinVar variation 4882725 (VCV004882725.2).